The following is an entry in ClinVar:

NM_001385641.1(SAMD11):c.1469C>T (p.Thr490Ile)

Gene: SAMD11 (sterile alpha motif domain containing 11; plus strand). Cytogenetic location: 1p36.33.
Variant type: single nucleotide variant.
Coding change: c.1469C>T on transcript NM_001385641.1 (MANE Select); coding-DNA position 1469, C replaced by T.
Protein change: p.Thr490Ile; replaces threonine 490 with isoleucine.
Molecular consequence: missense variant.
Genome position (GRCh38, 1-based): chr1:942,246, C>T. VCF-style: chr1-942246-C-T. GRCh37 (hg19) VCF-style: chr1-877626-C-T.
Other names: c.1472C>T, p.Thr491Ile (NM_001385640.1); c.980C>T, p.Thr327Ile (NM_152486.4); short protein forms T327I, T490I, T491I.
Identifiers: ClinVar variation 971444 (VCV000971444.8), dbSNP rs1221817970, ClinGen allele CA337807038.
Genomic context (GRCh38, chr1:942,246, plus strand): 5'-TCGCCCTGGGCCCCCATCTCAGGCCCCCCTTCCTGGGGGTGCCCTCGGCTCTGTGCCAGA[C>T]CCCAGGTGAGGAGGCGGGTGCGCATCCCCTGGGAGCCCGCGTGGAGGCTCGCGGACCCGG-3'
Protein context (NP_001372570.1, residues 480-500): FLGVPSALCQ[Thr490Ile]PGYGFLPPAQ

ClinVar aggregate classification (germline): Uncertain significance (1 of 4 stars; one submission).

Allele frequency attached by ClinVar (database versions not stated): TOPMed below 0.00001; gnomAD 0.00001; gnomAD exomes 0.00001.

Submission:

Labcorp Genetics (formerly Invitae), Labcorp
Classification: Uncertain significance. Last evaluated: 2022-03-29. Review status: criteria provided, single submitter. Criteria: Invitae Variant Classification Sherloc (09022015). Collection method: clinical testing. Allele origin: germline.
Comment: In summary, the available evidence is currently insufficient to determine the role of this variant in disease. Therefore, it has been classified as a Variant of Uncertain Significance. Algorithms developed to predict the effect of missense changes on protein structure and function are either unavailable or do not agree on the potential impact of this missense change (SIFT: "Deleterious"; PolyPhen-2: "Possibly Damaging"; Align-GVGD: "Class C0"). ClinVar contains an entry for this variant (Variation ID: 971444). This variant has not been reported in the literature in individuals affected with SAMD11-related conditions. This variant is not present in population databases (gnomAD no frequency). This sequence change replaces threonine, which is neutral and polar, with isoleucine, which is neutral and non-polar, at codon 327 of the SAMD11 protein (p.Thr327Ile).